The following continues an entry in ClinVar:

NM_001048174.2(MUTYH):c.1309C>G (p.Pro437Ala)

Gene: MUTYH. ClinVar aggregate classification (germline): Conflicting classifications of pathogenicity. Uncertain significance (11); Likely benign (1).

Submissions 9 to 14 of 14:

Quest Diagnostics Nichols Institute San Juan Capistrano
Classification: Uncertain significance. Last evaluated: 2023-07-13. Review status: criteria provided, single submitter. Criteria: Quest Diagnostics criteria. Collection method: clinical testing. Allele origin: unknown.
Comment: In the published literature, this variant has been reported in affected individuals with colorectal cancer (PMID: 28135145 (2017) and 34326862 (2021)) and in an individual with hereditary mixed polyposis syndrome who also had a pathogenic GREM1 duplication (PMID: 26947005 (2016)). It has also been reported in individuals with breast cancer (PMID: 33471991 (2021), see also LOVD), as well as in controls (PMIDs: 30267214 (2018) and 33471991 (2021)). The frequency of this variant in the general population, 0.00014 (18/129178 chromosomes (Genome Aggregation Database)), is uninformative in the assessment of its pathogenicity. Analysis of this variant using bioinformatics tools for the prediction of the effect of amino acid changes on protein structure and function yielded predictions that this variant is benign. Based on the available information, we are unable to determine the clinical significance of this variant.

Clinical Genetics Laboratory, Skane University Hospital Lund
Classification: Uncertain significance. Last evaluated: 2022-06-29. Review status: criteria provided, single submitter. Criteria: ACMG Guidelines, 2015. Collection method: clinical testing. Allele origin: germline. Affected: yes.

Department of Pathology and Laboratory Medicine, Sinai Health System
Classification: Uncertain significance for Familial adenomatous polyposis 2. Last evaluated: 2019-04-01. Review status: criteria provided, single submitter. Criteria: ACMG Guidelines, 2015. Collection method: research. Allele origin: germline.

St. Jude Molecular Pathology, St. Jude Children's Research Hospital
Classification: Uncertain significance for Retinoblastoma. Last evaluated: 2016-03-21. Review status: criteria provided, single submitter. Criteria: ACMG Guidelines, 2015. Collection method: clinical testing. Allele origin: germline. Affected: yes.

Counsyl
Classification: Uncertain significance for Familial adenomatous polyposis 2. Last evaluated: 2016-09-29. Review status: no assertion criteria provided. Collection method: clinical testing. Allele origin: unknown. Not counted in ClinVar's aggregate classification.

Department of Pathology and Laboratory Medicine, Sinai Health System
Classification: Uncertain significance for Carcinoma of colon. Review status: no assertion criteria provided. Collection method: clinical testing. Allele origin: unknown. Affected: yes. Observed: 1 variant allele. Study: The Canadian Open Genetics Repository (COGR). Not counted in ClinVar's aggregate classification.
Comment: The MUTYH p.Pro465Ala variant was not identified in the literature, nor was it identified in dbSNP, HGMD, â€šÃ„ÃºInSiGHT Colon Cancer Databaseâ€šÃ„Ã¹, or the COSMIC database. The variant was identified in the NHLBI Exome Sequencing Project, with a frequency of 0.0001 in European American alleles; however, this frequency is based on one occurrence of the variant allele in 8600 alleles tested. The p.Pro465 residue is conserved in mammals but not across lower organisms, and the variant amino acid Alanine (Ala) is present in chicken, increasing the likelihood that this variant does not have clinical significance. Computational analyses (PolyPhen-2, SIFT, AlignGVGD) do not suggest a high likelihood of impact to the protein; however, this information is not predictive enough to rule out pathogenicity. In summary, based on the above information, the clinical significance of this variant cannot be determined with certainty at this time. This variant is classified as a variant of unknown significance.

Literature cited by the submitters: PubMed 28135145 (cited by 7 submitters); PubMed 26947005 (cited by 5 submitters); PubMed 34326862 (cited by Women's Health and Genetics/Laboratory Corporation of America, LabCorp and Quest Diagnostics Nichols Institute San Juan Capistrano); PubMed 30267214 (cited by Ambry Genetics and Quest Diagnostics Nichols Institute San Juan Capistrano); PubMed 40738107 (cited by Ambry Genetics); PubMed 33471991 (cited by Quest Diagnostics Nichols Institute San Juan Capistrano).